The following is an entry in ClinVar:

NM_000155.4(GALT):c.260C>T (p.Pro87Leu)

Gene: GALT (galactose-1-phosphate uridylyltransferase; plus strand). Cytogenetic location: 9p13.3.
Variant type: single nucleotide variant.
Coding change: c.260C>T on transcript NM_000155.4 (MANE Select); coding-DNA position 260, C replaced by T.
Protein change: p.Pro87Leu; replaces proline 87 with leucine.
Molecular consequence: missense variant. On other transcripts: intron variant (1).
Genome position (GRCh38, 1-based): chr9:34,647,499, C>T. VCF-style: chr9-34647499-C-T. GRCh37 (hg19) VCF-style: chr9-34647496-C-T.
Other names: c.50+241C>T (NM_001258332.2); short protein forms P87L.
Identifiers: ClinVar variation 4847463 (VCV004847463.1).

ClinVar aggregate classification (germline): Likely pathogenic (1 of 4 stars; one submission).

Conditions:
Deficiency of UDPglucose-hexose-1-phosphate uridylyltransferase. Also called: GALT deficiency; Galactosemia, classic; GALACTOSEMIA I; GALACTOSE-1-PHOSPHATE URIDYLYLTRANSFERASE DEFICIENCY; Transferase Deficiency Galactosemia. Identifiers: Orphanet 352, Orphanet 79239, MedGen C0268151, MONDO:0009258, OMIM 230400.

Submission:

Women's Health and Genetics/Laboratory Corporation of America, LabCorp
Classification: Likely pathogenic for Deficiency of UDPglucose-hexose-1-phosphate uridylyltransferase. Last evaluated: 2026-03-05. Review status: criteria provided, single submitter. Criteria: LabCorp Variant Classification Summary - May 2015. Collection method: clinical testing. Allele origin: germline.
Comment: Variant summary: GALT c.260C>T (p.Pro87Leu) results in a non-conservative amino acid change in the encoded protein sequence. Algorithms developed to predict the effect of missense changes on protein structure and function all suggest that this variant is likely to be disruptive. The variant was absent in 251490 control chromosomes. c.260C>T has been observed in at-least two individuals affected with Galactosemia (Jezela-Stanek_2021). These data indicate that the variant may be associated with disease. A different variant affecting the same codon has been classified as pathogenic by our lab (c.260C>G, p.Pro87Arg), supporting the critical relevance of codon 87 to GALT protein function. To our knowledge, no experimental evidence demonstrating an impact on protein function has been reported. The following publication has been ascertained in the context of this evaluation (PMID: 34030713). No submitters have cited clinical-significance assessments for this variant to ClinVar. Based on the evidence outlined above, the variant was classified as likely pathogenic.

Literature cited by the submitters: PubMed 34030713.